The following is an entry in ClinVar:

ClinVar aggregate classification (germline): Uncertain significance. Review status: criteria provided, single submitter (1 of 4 stars). 2 submissions from 2 submitters: Uncertain significance (1). 1 of the submissions does not count toward it. Last evaluated 2022-02-24.

Conditions:
Glycine encephalopathy 1 (GCE1). Identifiers: MedGen CN376801, MONDO:0958179, OMIM 605899.
Glycine encephalopathy. Also called: Non-ketotic hyperglycinemia; Nonketotic hyperglycinemia. Identifiers: Orphanet 407, MedGen C0751748, MONDO:0011612, HP:0008288.

Allele frequency attached by ClinVar (database versions not stated): gnomAD exomes below 0.00001 and 0.00001.
gnomAD v4.1: 8 of 1,580,054 alleles (0.00051%); highest among the groups gnomAD compares: Non-Finnish European, 0.0007%; no homozygotes.

Submissions (2):

Labcorp Genetics (formerly Invitae), Labcorp
Classification: Uncertain significance for Glycine encephalopathy. Last evaluated: 2022-02-24. Review status: criteria provided, single submitter. Criteria: Invitae Variant Classification Sherloc (09022015). Collection method: clinical testing. Allele origin: germline.
Comment: This variant is present in population databases (no rsID available, gnomAD 0.0009%). This missense change has been observed in individual(s) with nonketotic hyperglycinemia (PMID: 27362913). In at least one individual the data is consistent with being in trans (on the opposite chromosome) from a pathogenic variant. ClinVar contains an entry for this variant (Variation ID: 556776). Algorithms developed to predict the effect of missense changes on protein structure and function (SIFT, PolyPhen-2, Align-GVGD) all suggest that this variant is likely to be tolerated. In summary, the available evidence is currently insufficient to determine the role of this variant in disease. Therefore, it has been classified as a Variant of Uncertain Significance. This sequence change replaces methionine, which is neutral and non-polar, with isoleucine, which is neutral and non-polar, at codon 947 of the GLDC protein (p.Met947Ile).

Counsyl
Classification: Uncertain significance for Glycine encephalopathy 1. Last evaluated: 2018-02-22. Review status: no assertion criteria provided. Collection method: clinical testing. Allele origin: unknown. Not counted in ClinVar's aggregate classification.

Literature cited by the submitters: PubMed 27362913 (cited by Labcorp Genetics (formerly Invitae), Labcorp and Counsyl).

NM_000170.3(GLDC):c.2841G>A (p.Met947Ile)

Gene: GLDC (glycine decarboxylase; minus strand). Cytogenetic location: 9p24.1.
Variant type: single nucleotide variant.
Coding change: c.2841G>A on transcript NM_000170.3 (MANE Select); coding-DNA position 2841, G replaced by A.
Protein change: p.Met947Ile; replaces methionine 947 with isoleucine.
Molecular consequence: missense variant.
Genome position (GRCh38, 1-based): chr9:6,534,786, C>T on the plus strand (G>A on the coding strand, the complement: GLDC is on the minus strand). VCF-style: chr9-6534786-C-T. GRCh37 (hg19) VCF-style: chr9-6534786-C-T.
Other names: short protein forms M947I.
Identifiers: ClinVar variation 556776 (VCV000556776.11), dbSNP rs1214310966, ClinGen allele CA372882218.